The following is an entry in ClinVar:

NM_001040108.2(MLH3):c.2546G>A (p.Ser849Asn)

Gene: MLH3 (mutL homolog 3; minus strand). Cytogenetic location: 14q24.3.
Variant type: single nucleotide variant.
Coding change: c.2546G>A on transcript NM_001040108.2 (MANE Select); coding-DNA position 2546, G replaced by A.
Protein change: p.Ser849Asn; replaces serine 849 with asparagine.
Molecular consequence: missense variant.
Genome position (GRCh38, 1-based): chr14:75,047,110, C>T on the plus strand (G>A on the coding strand, the complement: MLH3 is on the minus strand). VCF-style: chr14-75047110-C-T. GRCh37 (hg19) VCF-style: chr14-75513813-C-T.
Other names: c.2546G>A, p.Ser849Asn (NM_014381.3); short protein forms S849N.
Identifiers: ClinVar variation 2561664 (VCV002561664.3), dbSNP rs1047731780, ClinGen allele CA263648211.

ClinVar aggregate classification (germline): Uncertain significance (1 of 4 stars; one submission).

Submission:

Ambry Genetics
Classification: Uncertain significance. Last evaluated: 2025-08-05. Review status: criteria provided, single submitter. Criteria: Ambry Variant Classification Scheme 2023. Collection method: clinical testing. Allele origin: germline.
Comment: The p.S849N variant (also known as c.2546G>A), located in coding exon 1 of the MLH3 gene, results from a G to A substitution at nucleotide position 2546. The serine at codon 849 is replaced by asparagine, an amino acid with highly similar properties. This amino acid position is conserved. In addition, this alteration is predicted to be tolerated by in silico analysis. Since supporting evidence is limited at this time, the clinical significance of this alteration remains unclear.